The following is an entry in ClinVar:

NM_000091.5(COL4A3):c.814C>T (p.Pro272Ser)

Genes: COL4A3 (collagen type IV alpha 3 chain; plus strand), MFF-DT (MFF divergent transcript; minus strand). Cytogenetic location: 2q36.3.
Variant type: single nucleotide variant.
Coding change: c.814C>T on transcript NM_000091.5 (MANE Select); coding-DNA position 814, C replaced by T.
Protein change: p.Pro272Ser; replaces proline 272 with serine.
Molecular consequence: missense variant.
Genome position (GRCh38, 1-based): chr2:227,254,160, C>T. VCF-style: chr2-227254160-C-T. GRCh37 (hg19) VCF-style: chr2-228118876-C-T.
Other names: short protein forms P272S.
Identifiers: ClinVar variation 2443033 (VCV002443033.1), dbSNP rs2469568805, ClinGen allele CA350865974.

ClinVar aggregate classification (germline): Uncertain significance. Review status: criteria provided, single submitter (1 of 4 stars). 2 submissions from 1 submitter: Uncertain significance (2). Last evaluated 2023-02-28.

Conditions:
Autosomal recessive Alport syndrome (ATS2). Also called: COL4A4 Alport Syndrome and Thin Basement Membrane Nephropathy; Alport syndrome type 2; ALPORT SYNDROME 2, AUTOSOMAL RECESSIVE; COL4A3-Related Nephropathy. Identifiers: Orphanet 63, Orphanet 88919, MedGen C4746745, MONDO:0008762, OMIM 203780.
Autosomal dominant Alport syndrome (ATS3A). Also called: Alport syndrome dominant type; Renal failure and sensorineural hearing loss; ALPORT SYNDROME 3A, AUTOSOMAL DOMINANT. Identifiers: Orphanet 63, Orphanet 88918, MedGen C5882663, MONDO:0007086, OMIM 104200.

Submissions (2):

Johns Hopkins Genomics, Johns Hopkins University
Classification: Uncertain significance for Autosomal recessive Alport syndrome. Last evaluated: 2023-02-28. Review status: criteria provided, single submitter. Criteria: ACMG Guidelines, 2015. Collection method: clinical testing. Allele origin: germline.
Comment: This COL4A3 missense variant is absent from a large population dataset and has not been reported in ClinVar nor the literature, to our knowledge. Of two bioinformatics tools queried, one predicts that the substitution would be damaging, while the other predicts that it would be tolerated. While the proline residue at this position is evolutionarily conserved across many of the species assessed, some species have a different amino acid at this position including one species with Serine. We consider the clinical significance of c.814C>T; p.Pro272Ser in COL4A3 to be uncertain at this time.

Johns Hopkins Genomics, Johns Hopkins University
Classification: Uncertain significance for Autosomal dominant Alport syndrome. Last evaluated: 2023-02-28. Review status: criteria provided, single submitter. Criteria: ACMG Guidelines, 2015. Collection method: clinical testing. Allele origin: germline.
Comment: the same text as in the submission from Johns Hopkins Genomics, Johns Hopkins University above.